The following is an entry in ClinVar:

NM_001267550.2(TTN):c.9306-4A>G

Gene: TTN (titin; minus strand). Cytogenetic location: 2q31.2.
Variant type: single nucleotide variant.
Coding change: c.9306-4A>G on transcript NM_001267550.2 (MANE Select); 4 bases into the intron before coding-DNA position 9306, A replaced by G.
Molecular consequence: intron variant.
Genome position (GRCh38, 1-based): chr2:178,767,928, T>C on the plus strand (A>G on the coding strand, the complement: TTN is on the minus strand). VCF-style: chr2-178767928-T-C. GRCh37 (hg19) VCF-style: chr2-179632655-T-C.
Other names: c.9306-4A>G (NM_133378.4, NM_001256850.1, NM_133379.5); c.9168-4A>G (NM_003319.4, NM_133437.4, NM_133432.3).
Identifiers: ClinVar variation 228175 (VCV000228175.18), dbSNP rs757164431, ClinGen allele CA2004361.

ClinVar aggregate classification (germline): Likely benign. Review status: criteria provided, multiple submitters, no conflicts (2 of 4 stars). 5 submissions from 5 submitters: Likely benign (5). Last evaluated 2026-08-01.

Conditions:
Cardiovascular phenotype. Identifiers: MedGen CN230736.
Autosomal recessive limb-girdle muscular dystrophy type 2J (LGMDR10). Also called: Limb-girdle muscular dystrophy, type 2J; MUSCULAR DYSTROPHY, LIMB-GIRDLE, AUTOSOMAL RECESSIVE 10. Identifiers: Orphanet 140922, MedGen C1837342, MONDO:0012127, OMIM 608807.
Dilated cardiomyopathy 1G (CMD1G). Identifiers: Orphanet 154, MedGen C1858763, MONDO:0011400, OMIM 604145.

Allele frequency attached by ClinVar (database versions not stated): gnomAD exomes 0.00001 and 0.00002; TOPMed 0.00001; ExAC 0.00002.
gnomAD v4.1: 10 of 1,614,064 alleles (0.00062%); highest among the groups gnomAD compares: East Asian, 0.0067%; no homozygotes.

Submissions (5):

CeGaT Center for Human Genetics Tuebingen
Classification: Likely benign. Last evaluated: 2026-08-01. Review status: criteria provided, single submitter. Criteria: CeGaT Center For Human Genetics Tuebingen Variant Classification Criteria Version 2. Collection method: clinical testing. Allele origin: germline. Affected: yes. Observed: 1 variant allele.
Comment: TTN: BP4

Ambry Genetics
Classification: Likely benign for Cardiovascular phenotype. Last evaluated: 2026-03-20. Review status: criteria provided, single submitter. Criteria: Ambry Variant Classification Scheme 2023. Collection method: clinical testing. Allele origin: germline.

Labcorp Genetics (formerly Invitae), Labcorp
Classification: Likely benign for Dilated cardiomyopathy 1G; Autosomal recessive limb-girdle muscular dystrophy type 2J. Last evaluated: 2025-07-31. Review status: criteria provided, single submitter. Criteria: Invitae Variant Classification Sherloc (09022015). Collection method: clinical testing. Allele origin: germline.

GeneDx
Classification: Likely benign. Last evaluated: 2019-03-04. Review status: criteria provided, single submitter. Criteria: GeneDx Variant Classification Process June 2021. Collection method: clinical testing. Allele origin: germline. Affected: yes.

Laboratory for Molecular Medicine, Mass General Brigham Personalized Medicine
Classification: Likely benign. Last evaluated: 2014-12-30. Review status: criteria provided, single submitter. Criteria: LMM Criteria. Collection method: clinical testing. Allele origin: germline. Observed: 1 variant allele.
Comment: c.9306-4A>G in intron 39 of TTN: This variant is not expected to have clinical s ignificance because it is not located within the splice consensus sequence. It h as been identified in 2/67652 European chromosomes by the Exome Aggregation Cons ortium (ExAC).